The following is an entry in ClinVar:

ClinVar aggregate classification (germline): Uncertain significance. Review status: criteria provided, multiple submitters, no conflicts (2 of 4 stars). 6 submissions from 6 submitters: Uncertain significance (4). 2 of the submissions do not count toward it. Last evaluated 2025-07-01.

Conditions:
Arrhythmogenic right ventricular dysplasia 8 (ARVD8). Also called: Arrhythmogenic Right Ventricular Dysplasia/Cardiomyopathy 8; ARRHYTHMOGENIC RIGHT VENTRICULAR DYSPLASIA, FAMILIAL, 8; ARRHYTHMOGENIC RIGHT VENTRICULAR CARDIOMYOPATHY 8. Identifiers: MedGen C1843896, MONDO:0011831, OMIM 607450.
Arrhythmogenic cardiomyopathy with wooly hair and keratoderma. Also called: Carvajal syndrome; PALMOPLANTAR KERATODERMA WITH LEFT VENTRICULAR CARDIOMYOPATHY AND WOOLLY HAIR; Dilated cardiomyopathy with woolly hair and keratoderma; Arrhythmogenic cardiomyopathy with woolly hair and keratoderma. Identifiers: Orphanet 65282, MedGen C1854063, MONDO:0011581, OMIM 605676.
Cardiomyopathy (CMYO). Also called: Cardiomyopathies. Identifiers: Orphanet 167848, MedGen C0878544, MONDO:0004994, HP:0001638. Inheritance: Various modes of inheritance.

Allele frequency attached by ClinVar (database versions not stated): gnomAD exomes below 0.00001; ExAC 0.00001; gnomAD 0.00001; TOPMed 0.00001.
gnomAD v4.1: 9 of 1,613,972 alleles (0.00056%); highest among the groups gnomAD compares: East Asian, 0.0067%; no homozygotes.

Submissions (6):

Color Diagnostics, LLC DBA Color Health
Classification: Uncertain significance for Cardiomyopathy. Last evaluated: 2025-07-01. Review status: criteria provided, single submitter. Criteria: ACMG Guidelines, 2015. Collection method: clinical testing. Allele origin: germline.
Comment: This missense variant replaces arginine with histidine at codon 232 of the DSP protein. Computational prediction is inconclusive regarding the impact of this variant on protein structure and function. To our knowledge, functional studies have not been reported for this variant. This variant has been reported in an individual affected with dilated cardiomyopathy (PMID: 32880476). This variant has been identified in 1/251430 chromosomes in the general population by the Genome Aggregation Database (gnomAD). The available evidence is insufficient to determine the role of this variant in disease conclusively. Therefore, this variant is classified as a Variant of Uncertain Significance.

All of Us Research Program, National Institutes of Health
Classification: Uncertain significance for Arrhythmogenic cardiomyopathy with wooly hair and keratoderma. Last evaluated: 2023-09-17. Review status: criteria provided, single submitter. Criteria: ACMG Guidelines, 2015. Collection method: clinical testing. Allele origin: germline. Inheritance: Autosomal dominant inheritance. Observed: 1 variant allele, 1 heterozygote.
Comment: This missense variant replaces arginine with histidine at codon 232 of the DSP protein. Computational prediction is inconclusive regarding the impact of this variant on protein structure and function (internally defined REVEL score threshold 0.5 < inconclusive < 0.7, PMID: 27666373). To our knowledge, functional studies have not been reported for this variant. This variant has been reported in an individual affected with dilated cardiomyopathy (PMID: 32880476). This variant has been identified in 1/251430 chromosomes in the general population by the Genome Aggregation Database (gnomAD). The available evidence is insufficient to determine the role of this variant in disease conclusively. Therefore, this variant is classified as a Variant of Uncertain Significance.

This study involves interpretation of variants in research participants for the purpose of population health screening. Participant phenotype was not available at the time of variant classification. Additional details can be found in publication PMID: 35346344, PMCID: PMC8962531

Labcorp Genetics (formerly Invitae), Labcorp
Classification: Uncertain significance for Arrhythmogenic cardiomyopathy with wooly hair and keratoderma; Arrhythmogenic right ventricular dysplasia 8. Last evaluated: 2023-06-21. Review status: criteria provided, single submitter. Criteria: Invitae Variant Classification Sherloc (09022015). Collection method: clinical testing. Allele origin: germline.
Comment: This missense change has been observed in individual(s) with dilated cardiomyopathy (PMID: 32880476). This variant is present in population databases (rs749438581, gnomAD 0.0009%). This sequence change replaces arginine, which is basic and polar, with histidine, which is basic and polar, at codon 232 of the DSP protein (p.Arg232His). ClinVar contains an entry for this variant (Variation ID: 1328053). In summary, the available evidence is currently insufficient to determine the role of this variant in disease. Therefore, it has been classified as a Variant of Uncertain Significance. An algorithm developed to predict the effect of missense changes on protein structure and function (PolyPhen-2) suggests that this variant is likely to be tolerated.

GeneDx
Classification: Uncertain significance. Last evaluated: 2022-10-06. Review status: criteria provided, single submitter. Criteria: GeneDx Variant Classification Process June 2021. Collection method: clinical testing. Allele origin: germline. Affected: yes.
Comment: Identified in association with DCM in published literature (Verdonschot et al., 2020); Not observed at significant frequency in large population cohorts (gnomAD); In silico analysis supports that this missense variant has a deleterious effect on protein structure/function; This variant is associated with the following publications: (PMID: 32880476)

Genome Diagnostics Laboratory, University Medical Center Utrecht
Classification: Uncertain significance. Review status: no assertion criteria provided. Collection method: clinical testing. Allele origin: germline. Affected: yes. Study: VKGL Data-share Consensus. Not counted in ClinVar's aggregate classification.

Joint Genome Diagnostic Labs from Nijmegen and Maastricht, Radboudumc and MUMC+
Classification: Uncertain significance. Review status: no assertion criteria provided. Collection method: clinical testing. Allele origin: germline. Affected: yes. Study: VKGL Data-share Consensus. Not counted in ClinVar's aggregate classification.

Literature cited by the submitters: PubMed 32880476 (cited by 3 submitters).

NM_004415.4(DSP):c.695G>A (p.Arg232His)

Gene: DSP (desmoplakin; plus strand). Cytogenetic location: 6p24.3.
Variant type: single nucleotide variant.
Coding change: c.695G>A on transcript NM_004415.4 (MANE Select); coding-DNA position 695, G replaced by A.
Protein change: p.Arg232His; replaces arginine 232 with histidine.
Molecular consequence: missense variant.
Genome position (GRCh38, 1-based): chr6:7,562,749, G>A. VCF-style: chr6-7562749-G-A. GRCh37 (hg19) VCF-style: chr6-7562982-G-A.
Other names: c.695G>A, p.Arg232His (NM_001008844.3, NM_001319034.2); c.695G>A (NM_004415.2); short protein forms R232H.
Identifiers: ClinVar variation 1328053 (VCV001328053.10), dbSNP rs749438581, ClinGen allele CA048779.